The following is an entry in ClinVar:

NM_133259.4(LRPPRC):c.1659_1663dup (p.Asn555delinsIleTer)

Gene: LRPPRC (leucine rich pentatricopeptide repeat containing; minus strand). Cytogenetic location: 2p21.
Variant type: Duplication.
Coding change: c.1659_1663dup on transcript NM_133259.4 (MANE Select); coding-DNA positions 1659 to 1663, 5 bases duplicated (TATAA; older notation c.1659_1663dupTATAA).
Protein change: p.Asn555delinsIleTer.
Molecular consequence: nonsense.
Genome position (GRCh38, 1-based): chr2:43,950,587-43,950,591, TTATA duplicated on the plus strand (TATAA on the coding strand, the reverse complement: LRPPRC is on the minus strand); duplicating any 5 consecutive bases within chr2:43,950,587-43,950,593 gives the same sequence; the c. name uses the placement nearest the transcript's 3' end. VCF-style (leftmost placement, unchanged base first): chr2-43950586-T-TTTATA. GRCh37 (hg19) VCF-style: chr2-44177725-T-TTTATA.
Identifiers: ClinVar variation 2064915 (VCV002064915.4), dbSNP rs2466584318, ClinGen allele CA2580066641.

ClinVar aggregate classification (germline): Pathogenic (1 of 4 stars; one submission).

Submission:

Labcorp Genetics (formerly Invitae), Labcorp
Classification: Pathogenic. Last evaluated: 2021-12-29. Review status: criteria provided, single submitter. Criteria: Invitae Variant Classification Sherloc (09022015). Collection method: clinical testing. Allele origin: germline.
Comment: This variant is not present in population databases (gnomAD no frequency). For these reasons, this variant has been classified as Pathogenic. This variant has not been reported in the literature in individuals affected with LRPPRC-related conditions. This sequence change creates a premature translational stop signal (p.Asn555Ilefs*2) in the LRPPRC gene. It is expected to result in an absent or disrupted protein product. Loss-of-function variants in LRPPRC are known to be pathogenic (PMID: 26510951).

Literature cited by the submitters: PubMed 26510951.